The following is an entry in ClinVar:

NM_001009944.3(PKD1):c.160_166dup (p.Leu56fs)

Gene: PKD1 (polycystin 1, transient receptor potential channel interacting; minus strand). Cytogenetic location: 16p13.3.
Variant type: Duplication.
Coding change: c.160_166dup on transcript NM_001009944.3 (MANE Select); coding-DNA positions 160 to 166, 7 bases duplicated (CGCGGGC; older notation c.160_166dupCGCGGGC).
Protein change: p.Leu56fs; shifts the reading frame from leucine 56.
Molecular consequence: frameshift variant.
Genome position (GRCh38, 1-based): chr16:2,135,524-2,135,530, GCCCGCG duplicated on the plus strand (CGCGGGC on the coding strand, the reverse complement: PKD1 is on the minus strand); duplicating any 7 consecutive bases within chr16:2,135,524-2,135,535 gives the same sequence; the c. name uses the placement nearest the transcript's 3' end. VCF-style (leftmost placement, unchanged base first): chr16-2135523-A-AGCCCGCG. GRCh37 (hg19) VCF-style: chr16-2185524-A-AGCCCGCG.
Other names: c.160_166dupCGCGGGC (NM_001009944.3); c.160_166dup (NM_001009944.2); c.160_166dup, p.Leu56fs (NM_000296.4); short protein forms L56fs.
Identifiers: ClinVar variation 3335847 (VCV003335847.6).

ClinVar aggregate classification (germline): Pathogenic. Review status: criteria provided, multiple submitters, no conflicts (2 of 4 stars). 5 submissions from 5 submitters: Pathogenic (5). Last evaluated 2026-05-07.

Conditions:
Cystic renal disease.
Polycystic kidney disease, adult type (PKD1). Also called: POLYCYSTIC KIDNEY DISEASE, ADULT, TYPE I; POLYCYSTIC KIDNEY DISEASE 1 WITH OR WITHOUT POLYCYSTIC LIVER DISEASE; Polycystic Kidney Disease 1, Autosomal Dominant; Polycystic kidney disease 1; Polycystic kidney disease 1, severe; Polycystic Kidney, Autosomal Dominant. Identifiers: MedGen C3149841, MONDO:0008263, OMIM 173900.

Submissions (5):

Genetics Laboratory, Great Ormond Street Hospital NHS Foundation Trust, North Thames Genomic Laboratory Hub
Classification: Pathogenic for Cystic renal disease. Last evaluated: 2026-05-07. Review status: criteria provided, single submitter. Criteria: ACGS Best Practice Guidelines for Variant Classification in Rare Disease 2024 v1.2. Collection method: clinical testing. Allele origin: germline. Affected: yes.
Comment: PS4_moderate, PM2_moderate, PVS1_very-strong

GeneDx
Classification: Pathogenic. Last evaluated: 2025-06-30. Review status: criteria provided, single submitter. Criteria: GeneDx Variant Classification Process June 2021. Collection method: clinical testing. Allele origin: germline. Affected: yes.
Comment: Frameshift variant predicted to result in protein truncation or nonsense mediated decay in a gene for which loss of function is a known mechanism of disease; Not observed at significant frequency in large population cohorts (gnomAD); This variant is associated with the following publications: (PMID: 26453610, 27499327, 23413949)

Women's Health and Genetics/Laboratory Corporation of America, LabCorp
Classification: Pathogenic for Polycystic kidney disease, adult type. Last evaluated: 2025-06-27. Review status: criteria provided, single submitter. Criteria: LabCorp Variant Classification Summary - May 2015. Collection method: clinical testing. Allele origin: germline.
Comment: Variant summary: PKD1 c.160_166dupCGCGGGC (p.Leu56ProfsX60) results in a premature termination codon, predicted to cause a truncation of the encoded protein or absence of the protein due to nonsense mediated decay, which are commonly known mechanisms for disease. The frequency data for this variant in gnomAD is considered unreliable, as metrics indicate poor data quality at this position. c.160_166dupCGCGGGC has been observed in individual(s) affected with Polycystic Kidney Disease 1 (Bleyer_2022). To our knowledge, no experimental evidence demonstrating an impact on protein function has been reported. The following publication has been ascertained in the context of this evaluation (PMID: 35325889). ClinVar contains an entry for this variant (Variation ID: 3335847). Based on the evidence outlined above, the variant was classified as pathogenic.

Department of Pathology and Laboratory Medicine, Sinai Health System
Classification: Pathogenic for Polycystic kidney disease, adult type. Last evaluated: 2017-08-21. Review status: criteria provided, single submitter. Criteria: ACMG Guidelines, 2015. Collection method: clinical testing. Allele origin: germline. Affected: yes.

Juno Genomics, Hangzhou Juno Genomics, Inc
Classification: Pathogenic for Polycystic kidney disease, adult type. Review status: criteria provided, single submitter. Criteria: ACMG Guidelines, 2015. Collection method: clinical testing. Allele origin: germline. Affected: yes.
Comment: Null variant in a gene where loss of function (LOF) is a known mechanism of disease.;Absent from controls (or at extremely low frequency if recessive) in Genome Aggregation Database.;The prevalence of the variant in affected individuals is significantly increased compared to the prevalence in controls.;Patient's phenotype or family history is highly specific for a disease with a single genetic etiology.

Literature cited by the submitters: PubMed 35325889 (cited by Women's Health and Genetics/Laboratory Corporation of America, LabCorp); PubMed 26453610 (cited by Department of Pathology and Laboratory Medicine, Sinai Health System); PubMed 23413949 (cited by Department of Pathology and Laboratory Medicine, Sinai Health System).